The following is an entry in ClinVar:

NM_000170.3(GLDC):c.346A>G (p.Ile116Val)

Gene: GLDC (glycine decarboxylase; minus strand). Cytogenetic location: 9p24.1.
Variant type: single nucleotide variant.
Coding change: c.346A>G on transcript NM_000170.3 (MANE Select); coding-DNA position 346, A replaced by G.
Protein change: p.Ile116Val; replaces isoleucine 116 with valine.
Molecular consequence: missense variant.
Genome position (GRCh38, 1-based): chr9:6,620,308, T>C on the plus strand (A>G on the coding strand, the complement: GLDC is on the minus strand). VCF-style: chr9-6620308-T-C. GRCh37 (hg19) VCF-style: chr9-6620308-T-C.
Other names: short protein forms I116V.
Identifiers: ClinVar variation 1052841 (VCV001052841.9), dbSNP rs1010145706, ClinGen allele CA188656002.

ClinVar aggregate classification (germline): Uncertain significance. Review status: criteria provided, single submitter (1 of 4 stars). 2 submissions from 2 submitters: Uncertain significance (1). 1 of the submissions does not count toward it. Last evaluated 2021-08-28.

Conditions:
Glycine encephalopathy. Also called: Nonketotic hyperglycinemia; Non-ketotic hyperglycinemia. Identifiers: Orphanet 407, MedGen C0751748, MONDO:0011612, HP:0008288.

Allele frequency attached by ClinVar (database versions not stated): gnomAD 0.00001; gnomAD exomes 0.00001 and 0.00003; TOPMed 0.00001.
gnomAD v4.1: 52 of 1,613,540 alleles (0.0032%); highest among the groups gnomAD compares: Non-Finnish European, 0.0041%; no homozygotes.

Submissions (2):

Labcorp Genetics (formerly Invitae), Labcorp
Classification: Uncertain significance for Glycine encephalopathy. Last evaluated: 2021-08-28. Review status: criteria provided, single submitter. Criteria: Invitae Variant Classification Sherloc (09022015). Collection method: clinical testing. Allele origin: germline.
Comment: This sequence change replaces isoleucine with valine at codon 116 of the GLDC protein (p.Ile116Val). The isoleucine residue is moderately conserved and there is a small physicochemical difference between isoleucine and valine. This variant is not present in population databases (ExAC no frequency). This variant has not been reported in the literature in individuals affected with GLDC-related conditions. ClinVar contains an entry for this variant (Variation ID: 1052841). Algorithms developed to predict the effect of missense changes on protein structure and function (SIFT, PolyPhen-2, Align-GVGD) all suggest that this variant is likely to be tolerated. In summary, the available evidence is currently insufficient to determine the role of this variant in disease. Therefore, it has been classified as a Variant of Uncertain Significance.

Natera, Inc.
Classification: Uncertain significance for Non-ketotic hyperglycinemia. Last evaluated: 2020-05-28. Review status: no assertion criteria provided. Collection method: clinical testing. Allele origin: germline. Not counted in ClinVar's aggregate classification.